The following is an entry in ClinVar:

NM_001127222.2(CACNA1A):c.2281A>G (p.Lys761Glu)

Gene: CACNA1A (calcium voltage-gated channel subunit alpha1 A; minus strand). Cytogenetic location: 19p13.13.
Variant type: single nucleotide variant.
Coding change: c.2281A>G on transcript NM_001127222.2 (MANE Select); coding-DNA position 2281, A replaced by G.
Protein change: p.Lys761Glu; replaces lysine 761 with glutamic acid.
Molecular consequence: missense variant.
Genome position (GRCh38, 1-based): chr19:13,299,352, T>C on the plus strand (A>G on the coding strand, the complement: CACNA1A is on the minus strand). VCF-style: chr19-13299352-T-C. GRCh37 (hg19) VCF-style: chr19-13410166-T-C.
Other names: c.2293A>G, p.Lys765Glu (NM_000068.4, NM_023035.3); c.2284A>G, p.Lys762Glu (NM_001127221.2, NM_001174080.2); short protein forms K762E, K765E, K761E.
Identifiers: ClinVar variation 590075 (VCV000590075.16), dbSNP rs1196111017, ClinGen allele CA404343809.

ClinVar aggregate classification (germline): Uncertain significance. Review status: criteria provided, multiple submitters, no conflicts (2 of 4 stars). 3 submissions from 3 submitters: Uncertain significance (3). Last evaluated 2025-10-30.

Conditions:
Inborn genetic diseases. Identifiers: MedGen C0950123, MeSH D030342.
Developmental and epileptic encephalopathy, 42 (DEE42A). Also called: DEVELOPMENTAL AND EPILEPTIC ENCEPHALOPATHY 42A; EPILEPTIC ENCEPHALOPATHY, EARLY INFANTILE, 42A; Epileptic encephalopathy, early infantile, 42. Identifiers: MedGen C4310716, MONDO:0014917, OMIM 617106.
Episodic ataxia type 2 (EA2). Also called: ACETAZOLAMIDE-RESPONSIVE HEREDITARY PAROXYSMAL CEREBELLAR ATAXIA; ATAXIA, EPISODIC, WITH NYSTAGMUS; ATAXIA, FAMILIAL PAROXYSMAL; CEREBELLAR ATAXIA, PAROXYSMAL, ACETAZOLAMIDE-RESPONSIVE; CEREBELLOPATHY, HEREDITARY PAROXYSMAL; EPISODIC ATAXIA, NYSTAGMUS-ASSOCIATED. Identifiers: Orphanet 97, MedGen C1720416, MONDO:0007163, OMIM 108500.

Allele frequency attached by ClinVar (database versions not stated): gnomAD exomes below 0.00001; gnomAD 0.00001; TOPMed 0.00002.
gnomAD v4.1: 2 of 1,599,276 alleles (0.00013%); highest among the groups gnomAD compares: Admixed American, 0.0017%; no homozygotes.

Submissions (3):

GeneDx
Classification: Uncertain significance. Last evaluated: 2025-10-30. Review status: criteria provided, single submitter. Criteria: GeneDx Variant Classification Process June 2021. Collection method: clinical testing. Allele origin: germline. Affected: yes.
Comment: Not observed at significant frequency in large population cohorts (gnomAD); In silico analysis supports that this missense variant has a deleterious effect on protein structure/function; Has not been previously published as pathogenic or benign to our knowledge

Labcorp Genetics (formerly Invitae), Labcorp
Classification: Uncertain significance for Developmental and epileptic encephalopathy, 42; Episodic ataxia type 2. Last evaluated: 2025-08-11. Review status: criteria provided, single submitter. Criteria: Invitae Variant Classification Sherloc (09022015). Collection method: clinical testing. Allele origin: germline.
Comment: This sequence change replaces lysine, which is basic and polar, with glutamic acid, which is acidic and polar, at codon 762 of the CACNA1A protein (p.Lys762Glu). This variant is present in population databases (no rsID available, gnomAD no frequency). This variant has not been reported in the literature in individuals affected with CACNA1A-related conditions. ClinVar contains an entry for this variant (Variation ID: 590075). An algorithm developed to predict the effect of missense changes on protein structure and function (PolyPhen-2) suggests that this variant is likely to be disruptive. In summary, the available evidence is currently insufficient to determine the role of this variant in disease. Therefore, it has been classified as a Variant of Uncertain Significance.

Ambry Genetics
Classification: Uncertain significance for Inborn genetic diseases. Last evaluated: 2017-02-20. Review status: criteria provided, single submitter. Criteria: Ambry Variant Classification Scheme 2023. Collection method: clinical testing. Allele origin: germline.
Comment: The p.K762E variant (also known as c.2284A>G), located in coding exon 19 of the CACNA1A gene, results from an A to G substitution at nucleotide position 2284. The lysine at codon 762 is replaced by glutamic acid, an amino acid with similar properties. This amino acid position is highly conserved in available vertebrate species. In addition, the in silico prediction for this alteration is inconclusive. Since supporting evidence is limited at this time, the clinical significance of this alteration remains unclear.